The following is an entry in ClinVar:

NM_001081.4(CUBN):c.9166G>T (p.Ala3056Ser)

Gene: CUBN (cubilin; minus strand). Cytogenetic location: 10p13.
Variant type: single nucleotide variant.
Coding change: c.9166G>T on transcript NM_001081.4 (MANE Select); coding-DNA position 9166, G replaced by T.
Protein change: p.Ala3056Ser; replaces alanine 3056 with serine.
Molecular consequence: missense variant.
Genome position (GRCh38, 1-based): chr10:16,874,444, C>A on the plus strand (G>T on the coding strand, the complement: CUBN is on the minus strand). VCF-style: chr10-16874444-C-A. GRCh37 (hg19) VCF-style: chr10-16916443-C-A.
Other names: short protein forms A3056S.
Identifiers: ClinVar variation 1347071 (VCV001347071.5), dbSNP rs569915247, ClinGen allele CA376130140.

ClinVar aggregate classification (germline): Uncertain significance (1 of 4 stars; one submission).

Conditions:
Imerslund-Grasbeck syndrome. Also called: Megaloblastic anemia due to inborn errors of metabolism; Imerslund-Gräsbeck syndrome; ENTEROCYTE COBALAMIN MALABSORPTION; ENTEROCYTE INTRINSIC FACTOR RECEPTOR, DEFECT OF; PERNICIOUS ANEMIA, JUVENILE, DUE TO SELECTIVE INTESTINAL MALABSORPTION OF VITAMIN B12, WITH PROTEINURIA. Identifiers: Orphanet 35858, MedGen C4551825, MONDO:0009853.

gnomAD v4.1: 8 of 1,613,968 alleles (0.0005%); highest among the groups gnomAD compares: Middle Eastern, 0.016%; no homozygotes.

Submission:

Labcorp Genetics (formerly Invitae), Labcorp
Classification: Uncertain significance for Imerslund-Grasbeck syndrome. Last evaluated: 2022-07-01. Review status: criteria provided, single submitter. Criteria: Invitae Variant Classification Sherloc (09022015). Collection method: clinical testing. Allele origin: germline.
Comment: This sequence change replaces alanine, which is neutral and non-polar, with serine, which is neutral and polar, at codon 3056 of the CUBN protein (p.Ala3056Ser). This variant is not present in population databases (gnomAD no frequency). This variant has not been reported in the literature in individuals affected with CUBN-related conditions. ClinVar contains an entry for this variant (Variation ID: 1347071). Algorithms developed to predict the effect of missense changes on protein structure and function output the following: SIFT: "Tolerated"; PolyPhen-2: "Benign"; Align-GVGD: "Class C0". The serine amino acid residue is found in multiple mammalian species, which suggests that this missense change does not adversely affect protein function. In summary, the available evidence is currently insufficient to determine the role of this variant in disease. Therefore, it has been classified as a Variant of Uncertain Significance.